The following is an entry in ClinVar:

ClinVar aggregate classification (germline): Uncertain significance (1 of 4 stars; one submission).

Submission:

Labcorp Genetics (formerly Invitae), Labcorp
Classification: Uncertain significance. Last evaluated: 2023-03-07. Review status: criteria provided, single submitter. Criteria: Invitae Variant Classification Sherloc (09022015). Collection method: clinical testing. Allele origin: germline.
Comment: This sequence change replaces glutamic acid, which is acidic and polar, with glutamine, which is neutral and polar, at codon 1271 of the IGF1R protein (p.Glu1271Gln). This variant is not present in population databases (gnomAD no frequency). This variant has not been reported in the literature in individuals affected with IGF1R-related conditions. Advanced modeling of protein sequence and biophysical properties (such as structural, functional, and spatial information, amino acid conservation, physicochemical variation, residue mobility, and thermodynamic stability) performed at Invitae indicates that this missense variant is not expected to disrupt IGF1R protein function. In summary, the available evidence is currently insufficient to determine the role of this variant in disease. Therefore, it has been classified as a Variant of Uncertain Significance.

NM_000875.5(IGF1R):c.3811G>C (p.Glu1271Gln)

Gene: IGF1R (insulin like growth factor 1 receptor; plus strand). Cytogenetic location: 15q26.3.
Variant type: single nucleotide variant.
Coding change: c.3811G>C on transcript NM_000875.5 (MANE Select); coding-DNA position 3811, G replaced by C.
Protein change: p.Glu1271Gln; replaces glutamic acid 1271 with glutamine.
Molecular consequence: missense variant.
Genome position (GRCh38, 1-based): chr15:98,957,149, G>C. VCF-style: chr15-98957149-G-C. GRCh37 (hg19) VCF-style: chr15-99500378-G-C.
Other names: c.3808G>C, p.Glu1270Gln (NM_001291858.2); short protein forms E1271Q, E1270Q.
Identifiers: ClinVar variation 2832822 (VCV002832822.3), dbSNP rs761376405, ClinGen allele CA393668309.